The following is an entry in ClinVar:

ClinVar aggregate classification (germline): Likely benign. Review status: criteria provided, multiple submitters, no conflicts (2 of 4 stars). 3 submissions from 3 submitters: Likely benign (3). Last evaluated 2026-01-03.

Conditions:
Glycogen storage disease, type II (IOPD). Also called: CARDIOMEGALIA GLYCOGENICA DIFFUSA; GLYCOGENOSIS, GENERALIZED, CARDIAC FORM; GSD II; Glycogen storage disease type 2; Acid maltase deficiency disease; Aglucosidase alfa. Identifiers: Orphanet 365, MedGen C0017921, MONDO:0009290, OMIM 232300.

Allele frequency attached by ClinVar (database versions not stated): gnomAD exomes 0.00002 and 0.00005; ExAC 0.00003; gnomAD 0.00005; TOPMed 0.00005; ESP Exome Variant Server 0.00008.
gnomAD v4.1: 81 of 1,613,056 alleles (0.005%); highest among the groups gnomAD compares: Non-Finnish European, 0.0062%; no homozygotes.

Submissions (3):

Labcorp Genetics (formerly Invitae), Labcorp
Classification: Likely benign for Glycogen storage disease, type II. Last evaluated: 2026-01-03. Review status: criteria provided, single submitter. Criteria: Invitae Variant Classification Sherloc (09022015). Collection method: clinical testing. Allele origin: germline.

Blueprint Genetics
Classification: Likely benign. Last evaluated: 2020-01-27. Review status: criteria provided, single submitter. Criteria: ACMG Guidelines, 2015. Collection method: clinical testing. Allele origin: germline.

GeneDx
Classification: Likely benign. Last evaluated: 2017-11-21. Review status: criteria provided, single submitter. Criteria: GeneDx Variant Classification (06012015). Collection method: clinical testing. Allele origin: germline. Affected: yes.
Comment: This variant is considered likely benign or benign based on one or more of the following criteria: it is a conservative change, it occurs at a poorly conserved position in the protein, it is predicted to be benign by multiple in silico algorithms, and/or has population frequency not consistent with disease.

NM_000152.5(GAA):c.1075+20C>T

Gene: GAA (alpha glucosidase; plus strand). Cytogenetic location: 17q25.3.
Variant type: single nucleotide variant.
Coding change: c.1075+20C>T on transcript NM_000152.5 (MANE Select); 20 bases into the intron after coding-DNA position 1075, C replaced by T.
Molecular consequence: intron variant.
Genome position (GRCh38, 1-based): chr17:80,108,429, C>T. VCF-style: chr17-80108429-C-T. GRCh37 (hg19) VCF-style: chr17-78082228-C-T.
Other names: c.1075+20C>T (LRG_673t1, NM_001079803.3, NM_001079804.3).
Identifiers: ClinVar variation 513239 (VCV000513239.10), dbSNP rs370379513, ClinGen allele CA8815144.